The following is an entry in ClinVar:

ClinVar aggregate classification (germline): Conflicting classifications of pathogenicity. Review status: criteria provided, conflicting classifications (1 of 4 stars). 3 submissions from 3 submitters: Uncertain significance (1); Likely benign (2). Last evaluated 2026-02-12.

Conditions:
LRP2-related disorder. Also called: LRP2-related condition.

Allele frequency attached by ClinVar (database versions not stated): TOPMed 0.00022; gnomAD 0.00027 and 0.00029; ESP Exome Variant Server 0.00031; 1000 Genomes Project 0.00060; 1000 Genomes Project 30x 0.00078; gnomAD exomes 0.00003 and 0.00008; ExAC 0.00011.
gnomAD v4.1: 83 of 1,614,174 alleles (0.0051%); highest among the groups gnomAD compares: African/African-American, 0.097%; 1 homozygote.

Submissions (3):

PreventionGenetics, part of Exact Sciences
Classification: Uncertain significance for LRP2-related condition. Last evaluated: 2026-02-12. Review status: criteria provided, single submitter. Criteria: ACMG Guidelines, 2015. Collection method: clinical testing. Allele origin: germline.
Comment: The LRP2 c.7243A>G variant is predicted to result in the amino acid substitution p.Ile2415Val. To our knowledge, this variant has not been reported in the literature. This variant is reported in 0.084% of alleles in individuals of African descent in gnomAD. Although we suspect that this variant may be benign, at this time, the clinical significance of this variant is uncertain due to the absence of conclusive functional and genetic evidence.

Labcorp Genetics (formerly Invitae), Labcorp
Classification: Likely benign. Last evaluated: 2026-02-04. Review status: criteria provided, single submitter. Criteria: Invitae Variant Classification Sherloc (09022015). Collection method: clinical testing. Allele origin: germline.

Blueprint Genetics
Classification: Likely benign. Last evaluated: 2023-12-08. Review status: criteria provided, single submitter. Criteria: ACMG Guidelines, 2015. Collection method: clinical testing. Allele origin: germline.

NM_004525.3(LRP2):c.7243A>G (p.Ile2415Val)

Gene: LRP2 (LDL receptor related protein 2; minus strand). Cytogenetic location: 2q31.1.
Variant type: single nucleotide variant.
Coding change: c.7243A>G on transcript NM_004525.3 (MANE Select); coding-DNA position 7243, A replaced by G.
Protein change: p.Ile2415Val; replaces isoleucine 2415 with valine.
Molecular consequence: missense variant.
Genome position (GRCh38, 1-based): chr2:169,206,477, T>C on the plus strand (A>G on the coding strand, the complement: LRP2 is on the minus strand). VCF-style: chr2-169206477-T-C. GRCh37 (hg19) VCF-style: chr2-170062987-T-C.
Other names: c.7243A>G (NM_004525.2); short protein forms I2415V.
Identifiers: ClinVar variation 1629702 (VCV001629702.10), dbSNP rs141428704, ClinGen allele CA1954150.